The following is an entry in ClinVar:

ClinVar aggregate classification (germline): Likely pathogenic. Review status: criteria provided, multiple submitters, no conflicts (2 of 4 stars). 2 submissions from 2 submitters: Likely pathogenic (2). Last evaluated 2024-11-21.

Conditions:
Glycogen storage disease, type II (IOPD). Also called: POMPE DISEASE, INFANTILE-ONSET; GLYCOGEN STORAGE DISEASE II, INFANTILE-ONSET; ACID ALPHA-GLUCOSIDASE DEFICIENCY, INFANTILE-ONSET; GAA DEFICIENCY, INFANTILE-ONSET; ACID MALTASE DEFICIENCY, INFANTILE-ONSET; Glucosidase acid-1,4-alpha deficiency. Identifiers: Orphanet 365, MedGen C0017921, MONDO:0009290, OMIM 232300.

Submissions (2):

Natera, Inc.
Classification: Likely pathogenic for Glycogen storage disease type II. Last evaluated: 2024-11-21. Review status: criteria provided, single submitter. Criteria: Natera Variant Classification Schema (03/2026). Collection method: clinical testing. Allele origin: germline.
Comment: The c.1846G>T variant in GAA is a missense variant predicted to cause substitution of aspartic acid to tyrosine at amino acid 616. This variant is rare in the general population with a frequency below the threshold expected for the associated phenotype(s). This variant is located in a functionally critical region of the protein. A different variant at the same position has been determined to be Pathogenic or Likely Pathogenic. Computational prediction algorithms indicate this variant is likely to affect gene or protein function. Given the available evidence, this variant is classified as Likely Pathogenic.

Labcorp Genetics (formerly Invitae), Labcorp
Classification: Likely pathogenic for Glycogen storage disease, type II. Last evaluated: 2023-01-14. Review status: criteria provided, single submitter. Criteria: Invitae Variant Classification Sherloc (09022015). Collection method: clinical testing. Allele origin: germline.
Comment: This variant disrupts the p.Asp616 amino acid residue in GAA. Other variant(s) that disrupt this residue have been determined to be pathogenic (PMID: 21488246, 22185990, 31086307, 31342611). This suggests that this residue is clinically significant, and that variants that disrupt this residue are likely to be disease-causing. Algorithms developed to predict the effect of sequence changes on RNA splicing suggest that this variant may create or strengthen a splice site. Advanced modeling of protein sequence and biophysical properties (such as structural, functional, and spatial information, amino acid conservation, physicochemical variation, residue mobility, and thermodynamic stability) performed at Invitae indicates that this missense variant is expected to disrupt GAA protein function. This variant has not been reported in the literature in individuals affected with GAA-related conditions. This variant is not present in population databases (gnomAD no frequency). This sequence change replaces aspartic acid, which is acidic and polar, with tyrosine, which is neutral and polar, at codon 616 of the GAA protein (p.Asp616Tyr). In summary, the currently available evidence indicates that the variant is pathogenic, but additional data are needed to prove that conclusively. Therefore, this variant has been classified as Likely Pathogenic.

Literature cited by the submitters: PubMed 21488246 (cited by Labcorp Genetics (formerly Invitae), Labcorp); PubMed 22185990 (cited by Labcorp Genetics (formerly Invitae), Labcorp); PubMed 31086307 (cited by Labcorp Genetics (formerly Invitae), Labcorp); PubMed 31342611 (cited by Labcorp Genetics (formerly Invitae), Labcorp).

NM_000152.5(GAA):c.1846G>T (p.Asp616Tyr)

Gene: GAA (alpha glucosidase; plus strand). Cytogenetic location: 17q25.3.
Variant type: single nucleotide variant.
Coding change: c.1846G>T on transcript NM_000152.5 (MANE Select); coding-DNA position 1846, G replaced by T.
Protein change: p.Asp616Tyr; replaces aspartic acid 616 with tyrosine.
Molecular consequence: missense variant.
Genome position (GRCh38, 1-based): chr17:80,112,669, G>T. VCF-style: chr17-80112669-G-T. GRCh37 (hg19) VCF-style: chr17-78086468-G-T.
Other names: c.1846G>T, p.Asp616Tyr (NM_001079803.3, NM_001079804.3, NM_001406741.1 and 1 more transcripts); c.1846G>T (NM_000152.4); short protein forms D616Y.
Identifiers: ClinVar variation 2828354 (VCV002828354.4), dbSNP rs796161389, ClinGen allele CA401369607.